The following is an entry in ClinVar:

ClinVar aggregate classification (germline): Likely benign (1 of 4 stars; one submission).

Submission:

CeGaT Center for Human Genetics Tuebingen
Classification: Likely benign. Last evaluated: 2022-07-01. Review status: criteria provided, single submitter. Criteria: CeGaT Center For Human Genetics Tuebingen Variant Classification Criteria Version 2. Collection method: clinical testing. Allele origin: germline. Affected: yes. Observed: 1 variant allele.
Comment: PDE2A: PM2:Supporting, BP4, BP7

NM_002599.5(PDE2A):c.1449C>G (p.Ala483=)

Genes: PDE2A (phosphodiesterase 2A; minus strand), PDE2A-AS2 (PDE2A antisense RNA 2; plus strand). Cytogenetic location: 11q13.4.
Variant type: single nucleotide variant.
Coding change: c.1449C>G on transcript NM_002599.5 (MANE Select); coding-DNA position 1449, C replaced by G.
Protein change: p.Ala483=; no amino-acid change (alanine 483 retained).
Molecular consequence: synonymous variant.
Genome position (GRCh38, 1-based): chr11:72,584,639, G>C on the plus strand (C>G on the coding strand, the complement: PDE2A is on the minus strand). VCF-style: chr11-72584639-G-C. GRCh37 (hg19) VCF-style: chr11-72295683-G-C.
Other names: c.1428C>G, p.Ala476= (NM_001143839.4); c.1422C>G, p.Ala474= (NM_001146209.3); c.1386C>G, p.Ala462= (NM_001243784.2).
Identifiers: ClinVar variation 2642124 (VCV002642124.24), dbSNP rs2496288591, ClinGen allele CA475867804.